The following is an entry in ClinVar:

NM_014570.5(ARFGAP3):c.1292T>C (p.Met431Thr)

Gene: ARFGAP3 (ARF GTPase activating protein 3; minus strand). Cytogenetic location: 22q13.2.
Variant type: single nucleotide variant.
Coding change: c.1292T>C on transcript NM_014570.5 (MANE Select); coding-DNA position 1292, T replaced by C.
Protein change: p.Met431Thr; replaces methionine 431 with threonine.
Molecular consequence: missense variant.
Genome position (GRCh38, 1-based): chr22:42,808,795, A>G on the plus strand (T>C on the coding strand, the complement: ARFGAP3 is on the minus strand). VCF-style: chr22-42808795-A-G. GRCh37 (hg19) VCF-style: chr22-43204801-A-G.
Other names: c.1160T>C, p.Met387Thr (NM_001142293.2); short protein forms M387T, M431T.
Identifiers: ClinVar variation 2653260 (VCV002653260.24), dbSNP rs73176813, ClinGen allele CA10270562.

ClinVar aggregate classification (germline): Benign (1 of 4 stars; one submission).

Allele frequency attached by ClinVar (database versions not stated): 1000 Genomes Project 30x 0.00016; ESP Exome Variant Server 0.00192.
gnomAD v4.1: 2,245 of 1,613,156 alleles (0.14%); highest among the groups gnomAD compares: Non-Finnish European, 0.041%; 34 homozygotes.

Submission:

CeGaT Center for Human Genetics Tuebingen
Classification: Benign. Last evaluated: 2022-04-01. Review status: criteria provided, single submitter. Criteria: CeGaT Center For Human Genetics Tuebingen Variant Classification Criteria Version 2. Collection method: clinical testing. Allele origin: germline. Affected: yes. Observed: 1 variant allele.
Comment: ARFGAP3: BS1, BS2